The following is an entry in ClinVar:

ClinVar aggregate classification (germline): Uncertain significance (1 of 4 stars; one submission).

Conditions:
Primary hyperoxaluria type 3. Also called: PH III. Identifiers: Orphanet 416, Orphanet 93600, MedGen C3150878, MONDO:0013327, OMIM 613616. Disease mechanism: loss of function.

Submission:

3billion
Classification: Uncertain significance for Primary hyperoxaluria type 3. Last evaluated: 2024-01-06. Review status: criteria provided, single submitter. Criteria: ACMG Guidelines, 2015. Collection method: clinical testing. Allele origin: germline. Affected: yes.
Comment: The variant is not observed in the gnomAD v2.1.1 dataset. Predicted Consequence/Location: Missense variant In silico tool predictions suggest damaging effect of the variant on gene or gene product [REVEL: 0.97 (>=0.6, sensitivity 0.68 and specificity 0.92)]. Therefore, this variant is classified as VUS according to the recommendation of ACMG/AMP guideline.

NM_138413.4(HOGA1):c.412C>T (p.Pro138Ser)

Gene: HOGA1 (4-hydroxy-2-oxoglutarate aldolase 1; plus strand). Cytogenetic location: 10q24.2.
Variant type: single nucleotide variant.
Coding change: c.412C>T on transcript NM_138413.4 (MANE Select); coding-DNA position 412, C replaced by T.
Protein change: p.Pro138Ser; replaces proline 138 with serine.
Molecular consequence: missense variant. On other transcripts: intron variant (1).
Genome position (GRCh38, 1-based): chr10:97,599,160, C>T. VCF-style: chr10-97599160-C-T. GRCh37 (hg19) VCF-style: chr10-99358917-C-T.
Other names: c.212-2697C>T (NM_001134670.2); short protein forms P138S.
Identifiers: ClinVar variation 3775536 (VCV003775536.1).